The following is an entry in ClinVar:

NM_000110.4(DPYD):c.2183G>T (p.Gly728Val)

Genes: DPYD (dihydropyrimidine dehydrogenase; minus strand), DPYD-AS1 (DPYD antisense RNA 1; plus strand). Cytogenetic location: 1p21.3.
Variant type: single nucleotide variant.
Coding change: c.2183G>T on transcript NM_000110.4 (MANE Select); coding-DNA position 2183, G replaced by T.
Protein change: p.Gly728Val; replaces glycine 728 with valine.
Molecular consequence: missense variant.
Genome position (GRCh38, 1-based): chr1:97,305,375, C>A on the plus strand (G>T on the coding strand, the complement: DPYD is on the minus strand). VCF-style: chr1-97305375-C-A. GRCh37 (hg19) VCF-style: chr1-97770931-C-A.
Other names: short protein forms G728V.
Identifiers: ClinVar variation 1805513 (VCV001805513.1), dbSNP rs2101036846, ClinGen allele CA341375238.

ClinVar aggregate classification (germline): Uncertain significance (1 of 4 stars; one submission).

Conditions:
Dihydropyrimidine dehydrogenase deficiency (DPYDD). Also called: DPD DEFICIENCY; DPYD DEFICIENCY; Hereditary Thymine-Uraciluria. Identifiers: Orphanet 1675, MedGen C1959620, MONDO:0010130, OMIM 274270.

Submission:

Victorian Clinical Genetics Services, Murdoch Childrens Research Institute
Classification: Uncertain significance for Dihydropyrimidine dehydrogenase deficiency. Last evaluated: 2019-08-28. Review status: criteria provided, single submitter. Criteria: ACMG Guidelines, 2015. Collection method: clinical testing. Allele origin: germline. Inheritance: Autosomal recessive inheritance.
Comment: A heterozygous missense variant was identified, NM_000110.3(DPYD):c.2183G>T in exon 18 of 23 of the DPYD gene. This substitution is predicted to create a major amino acid change from glycine to valine at position 728 of the protein, NP_000101.2(DPYD):p.(Gly728Val). The glycine at this position has high conservation (100 vertebrates, UCSC), and is located within the dihydroorotate dehydrogenase domain. In silico software predicts this variant to be disease causing (Polyphen, SIFT, CADD, Mutation Taster). The variant is not present in the gnomAD population database and has not been previously reported in clinical cases. Based on information available at the time of curation, this variant has been classified as a VARIANT of UNCERTAIN SIGNIFICANCE (VUS).